The following is an entry in ClinVar:

NM_000782.5(CYP24A1):c.-7del

Gene: CYP24A1 (cytochrome P450 family 24 subfamily A member 1; minus strand). Cytogenetic location: 20q13.2.
Variant type: Deletion.
Coding change: c.-7del on transcript NM_000782.5 (MANE Select); 7 bases upstream of the start codon, one base deleted (C; older notation c.-7delC).
Molecular consequence: 5 prime UTR variant.
Genome position (GRCh38, 1-based): chr20:54,173,586, G deleted on the plus strand (C on the coding strand, the reverse complement: CYP24A1 is on the minus strand); the first of 5 consecutive G bases (chr20:54,173,586-54,173,590); deleting any one gives the same sequence. VCF-style (leftmost placement, unchanged base first): chr20-54173585-CG-C. GRCh37 (hg19) VCF-style: chr20-52790124-CG-C.
Other names: c.-7del (NM_001128915.2, NM_001424340.1, NM_001424341.1 and 2 more transcripts).
Identifiers: ClinVar variation 3057446 (VCV003057446.2), dbSNP rs749911681, ClinGen allele CA9916300.

ClinVar aggregate classification (germline): Likely benign (0 of 4 stars; one submission).

Conditions:
CYP24A1-related disorder. Also called: CYP24A1-related condition.

Submission:

PreventionGenetics, part of Exact Sciences
Classification: Likely benign for CYP24A1-related condition. Last evaluated: 2019-03-27. Review status: no assertion criteria provided. Collection method: clinical testing. Allele origin: germline.
Comment: This variant is classified as likely benign based on ACMG/AMP sequence variant interpretation guidelines (Richards et al. 2015 PMID: 25741868, with internal and published modifications).